The following is an entry in ClinVar:

ClinVar aggregate classification (germline): Uncertain significance (1 of 4 stars; one submission).

Submission:

Women's Health and Genetics/Laboratory Corporation of America, LabCorp
Classification: Uncertain significance. Last evaluated: 2025-12-10. Review status: criteria provided, single submitter. Criteria: LabCorp Variant Classification Summary - May 2015. Collection method: clinical testing. Allele origin: germline.
Comment: Variant summary: CNTNAP2 c.98-198444_98-190917del is located at a position not widely known to affect splicing. The variant involves the deletion of part of intron 1 in the CNTNAP2 gene. Overlapping deletion variants were found in this region at a frequency of about 0.00013 in ~120,000 control chromosomes in the gnomAD database (Structural Variants v4.1 dataset). This frequency is not significantly higher than estimated for disease-causing variants in CNTNAP2, allowing no conclusion about variant significance. To our knowledge, no occurrence of c.98-198444_98-190917del in individuals affected with CNTNAP2-related conditions and no experimental evidence demonstrating its impact on protein function have been reported. No submitters have cited clinical-significance assessments for this variant to ClinVar. Based on the evidence outlined above, the variant was classified as uncertain significance.

NM_014141.6(CNTNAP2):c.98-198444_98-190917del

Gene: CNTNAP2 (contactin associated protein 2; plus strand). Cytogenetic location: 7q35.
Variant type: Deletion.
Coding change: c.98-198444_98-190917del on transcript NM_014141.6 (MANE Select); 198444 bases into the intron before coding-DNA position 98 through 190917 bases into the intron before coding-DNA position 98, 7,528 bases deleted.
Molecular consequence: intron variant.
Genome position (GRCh38, 1-based): chr7:146,575,827-146,583,354, 7,528 bases deleted. GRCh37 (hg19): chr7:146,272,919-146,280,446.
Identifiers: ClinVar variation 4688406 (VCV004688406.1).